The following is an entry in ClinVar:

NM_005591.4(MRE11):c.1717G>A (p.Gly573Arg)

Gene: MRE11 (MRE11 double strand break repair nuclease; minus strand). Cytogenetic location: 11q21.
Variant type: single nucleotide variant.
Coding change: c.1717G>A on transcript NM_005591.4 (MANE Select); coding-DNA position 1717, G replaced by A.
Protein change: p.Gly573Arg; replaces glycine 573 with arginine.
Molecular consequence: missense variant.
Genome position (GRCh38, 1-based): chr11:94,447,285, C>T on the plus strand (G>A on the coding strand, the complement: MRE11 is on the minus strand). VCF-style: chr11-94447285-C-T. GRCh37 (hg19) VCF-style: chr11-94180451-C-T.
Other names: c.1717G>A, p.Gly573Arg (NM_001330347.2, NM_005590.4); short protein forms G573R.
Identifiers: ClinVar variation 3224837 (VCV003224837.2), dbSNP rs1332880307, ClinGen allele CA382368266.

ClinVar aggregate classification (germline): Uncertain significance. Review status: criteria provided, multiple submitters, no conflicts (2 of 4 stars). 2 submissions from 2 submitters: Uncertain significance (2). Last evaluated 2025-03-19.

Conditions:
Hereditary cancer-predisposing syndrome. Also called: Neoplastic Syndromes, Hereditary; Tumor predisposition; Hereditary Cancer Syndrome; Hereditary neoplastic syndrome. Identifiers: Orphanet 140162, MedGen C0027672, MeSH D009386, MONDO:0015356.

Submissions (2):

Dasa
Classification: Uncertain significance. Last evaluated: 2025-03-19. Review status: criteria provided, single submitter. Criteria: DASA Assertion Criteria. Collection method: clinical testing. Allele origin: germline.
Comment: NM_005591.4(MRE11):c.1717G>A (p.Gly573Arg) is a missense variant that results in the substitution of glycine with arginine. Multiple computational predictions support a deleterious effect on the gene or gene product. The variant is present at low frequency in population datasets. Based on the available data, this variant is classified as variant of uncertain significance.

Ambry Genetics
Classification: Uncertain significance for Hereditary cancer-predisposing syndrome. Last evaluated: 2023-12-23. Review status: criteria provided, single submitter. Criteria: Ambry Variant Classification Scheme 2023. Collection method: clinical testing. Allele origin: germline.
Comment: The p.G573R variant (also known as c.1717G>A), located in coding exon 14 of the MRE11A gene, results from a G to A substitution at nucleotide position 1717. The glycine at codon 573 is replaced by arginine, an amino acid with dissimilar properties. This amino acid position is conserved. In addition, the in silico prediction for this alteration is inconclusive. Since supporting evidence is limited at this time, the clinical significance of this alteration remains unclear.